The following is an entry in ClinVar:

NM_001378609.3(OTOGL):c.6456G>A (p.Thr2152=)

Gene: OTOGL (otogelin like; plus strand). Cytogenetic location: 12q21.31.
Variant type: single nucleotide variant.
Coding change: c.6456G>A on transcript NM_001378609.3 (MANE Select); coding-DNA position 6456, G replaced by A.
Protein change: p.Thr2152=; no amino-acid change (threonine 2152 retained).
Molecular consequence: synonymous variant.
Genome position (GRCh38, 1-based): chr12:80,367,685, G>A. VCF-style: chr12-80367685-G-A. GRCh37 (hg19) VCF-style: chr12-80761465-G-A.
Other names: p.Thr2143=; c.6321G>A, p.Thr2107= (NM_001368062.3); c.6456G>A, p.Thr2152= (NM_001378610.3, NM_173591.7).
Identifiers: ClinVar variation 226970 (VCV000226970.20), dbSNP rs2717482, ClinGen allele CA6702042.

ClinVar aggregate classification (germline): Benign. Review status: criteria provided, multiple submitters, no conflicts (2 of 4 stars). 7 submissions from 7 submitters: Benign (5). 2 of the submissions do not count toward it. Last evaluated 2026-02-04.

Allele frequency attached by ClinVar (database versions not stated): gnomAD exomes 0.92822 and 0.94170; 1000 Genomes Project 0.96865; gnomAD 0.94858 and 0.94876; 1000 Genomes Project 30x 0.96799; TOPMed 0.94849; ESP Exome Variant Server 0.94124; ExAC 0.94539.
gnomAD v4.1: 1,383,603 of 1,487,130 alleles (93%); highest among the groups gnomAD compares: East Asian, 100%; 644,104 homozygotes.

Submissions (7):

Labcorp Genetics (formerly Invitae), Labcorp
Classification: Benign. Last evaluated: 2026-02-04. Review status: criteria provided, single submitter. Criteria: Invitae Variant Classification Sherloc (09022015). Collection method: clinical testing. Allele origin: germline.

Mayo Clinic Laboratories, Mayo Clinic
Classification: Benign. Last evaluated: 2020-07-01. Review status: criteria provided, single submitter. Criteria: ACMG Guidelines, 2015. Collection method: clinical testing. Allele origin: germline. Observed: 159 variant alleles.

GeneDx
Classification: Benign. Last evaluated: 2017-05-09. Review status: criteria provided, single submitter. Criteria: GeneDx Variant Classification (06012015). Collection method: clinical testing. Allele origin: germline. Affected: yes.
Comment: This variant is considered likely benign or benign based on one or more of the following criteria: it is a conservative change, it occurs at a poorly conserved position in the protein, it is predicted to be benign by multiple in silico algorithms, and/or has population frequency not consistent with disease.

Laboratory for Molecular Medicine, Mass General Brigham Personalized Medicine
Classification: Benign. Last evaluated: 2014-11-24. Review status: criteria provided, single submitter. Criteria: LMM Criteria. Collection method: clinical testing. Allele origin: germline. Observed: 1,020 variant alleles.
Comment: Thr2143Thr in exon 53 of OTOGL: This variant is not expected to have clinical si gnificance because it does not alter an amino acid residue and is not located wi thin the splice consensus sequence. It has been identified in 7.9% (675/8584) of European American chromosomes from a broad population by the NHLBI Exome Sequen cing Project (dbSNP rs2717482).

Breakthrough Genomics
Classification: Benign. Review status: criteria provided, single submitter. Criteria: ACMG Guidelines, 2015. Collection method: not provided. Allele origin: germline. Inheritance: Autosomal recessive inheritance. Affected: yes.

Diagnostic Laboratory, Department of Genetics, University Medical Center Groningen
Classification: Benign. Review status: no assertion criteria provided. Collection method: clinical testing. Allele origin: germline. Affected: yes. Study: VKGL Data-share Consensus. Not counted in ClinVar's aggregate classification.

Joint Genome Diagnostic Labs from Nijmegen and Maastricht, Radboudumc and MUMC+
Classification: Benign. Review status: no assertion criteria provided. Collection method: clinical testing. Allele origin: germline. Affected: yes. Study: VKGL Data-share Consensus. Not counted in ClinVar's aggregate classification.